The following is an entry in ClinVar:

ClinVar aggregate classification (germline): Uncertain significance (1 of 4 stars; one submission).

Conditions:
Charcot-Marie-Tooth disease axonal type 2O. Also called: Charcot-Marie-Tooth disease, axonal, type 20; CHARCOT-MARIE-TOOTH NEUROPATHY, AXONAL, TYPE 2O; CHARCOT-MARIE-TOOTH DISEASE, AXONAL, AUTOSOMAL DOMINANT, TYPE 2O; Charcot-Marie-Tooth Neuropathy Type 2O. Identifiers: Orphanet 284232, MedGen C3280220, MONDO:0013644, OMIM 614228.

Submission:

Labcorp Genetics (formerly Invitae), Labcorp
Classification: Uncertain significance for Charcot-Marie-Tooth disease axonal type 2O. Last evaluated: 2024-04-18. Review status: criteria provided, single submitter. Criteria: Invitae Variant Classification Sherloc (09022015). Collection method: clinical testing. Allele origin: germline.
Comment: This sequence change replaces aspartic acid, which is acidic and polar, with tyrosine, which is neutral and polar, at codon 537 of the DYNC1H1 protein (p.Asp537Tyr). This variant is not present in population databases (gnomAD no frequency). This variant has not been reported in the literature in individuals affected with DYNC1H1-related conditions. Advanced modeling of protein sequence and biophysical properties (such as structural, functional, and spatial information, amino acid conservation, physicochemical variation, residue mobility, and thermodynamic stability) performed at Invitae indicates that this missense variant is expected to disrupt DYNC1H1 protein function with a positive predictive value of 95%. In summary, the available evidence is currently insufficient to determine the role of this variant in disease. Therefore, it has been classified as a Variant of Uncertain Significance.

NM_001376.5(DYNC1H1):c.1609G>T (p.Asp537Tyr)

Gene: DYNC1H1 (dynein cytoplasmic 1 heavy chain 1; plus strand). Cytogenetic location: 14q32.31.
Variant type: single nucleotide variant.
Coding change: c.1609G>T on transcript NM_001376.5 (MANE Select); coding-DNA position 1609, G replaced by T.
Protein change: p.Asp537Tyr; replaces aspartic acid 537 with tyrosine.
Molecular consequence: missense variant.
Genome position (GRCh38, 1-based): chr14:101,985,834, G>T. VCF-style: chr14-101985834-G-T. GRCh37 (hg19) VCF-style: chr14-102452171-G-T.
Other names: short protein forms D537Y.
Identifiers: ClinVar variation 3636117 (VCV003636117.2).
Genomic context (GRCh38, chr14:101,985,834, plus strand): 5'-GCAAATGCCATTGAGGAAGTAAACCTTGCTTATGAGAACGTCAAGGAAGTGGATGGACTG[G>T]ATGTTTCCAAAGAGGGCACGGAAGCCTGGGAGGCTGCTATGAAGAGGTACGATGAGAGGA-3'
Protein context (NP_001367.2, residues 527-547): YENVKEVDGL[Asp537Tyr]VSKEGTEAWE